The following is an entry in ClinVar:

ClinVar aggregate classification (germline): Uncertain significance (1 of 4 stars; one submission).

Conditions:
Atrioventricular septal defect 4 (AVSD4). Identifiers: MedGen C3280781, MONDO:0013747, OMIM 614430.

Submission:

Labcorp Genetics (formerly Invitae), Labcorp
Classification: Uncertain significance for Atrioventricular septal defect 4. Last evaluated: 2024-12-05. Review status: criteria provided, single submitter. Criteria: Invitae Variant Classification Sherloc (09022015). Collection method: clinical testing. Allele origin: germline.
Comment: This sequence change replaces proline, which is neutral and non-polar, with serine, which is neutral and polar, at codon 368 of the GATA4 protein (p.Pro368Ser). This variant is not present in population databases (gnomAD no frequency). This variant has not been reported in the literature in individuals affected with GATA4-related conditions. Invitae Evidence Modeling of protein sequence and biophysical properties (such as structural, functional, and spatial information, amino acid conservation, physicochemical variation, residue mobility, and thermodynamic stability) indicates that this missense variant is not expected to disrupt GATA4 protein function with a negative predictive value of 95%. In summary, the available evidence is currently insufficient to determine the role of this variant in disease. Therefore, it has been classified as a Variant of Uncertain Significance.

NM_001308093.3(GATA4):c.1105C>T (p.Pro369Ser)

Gene: GATA4 (GATA binding protein 4). Cytogenetic location: 8p23.1.
Variant type: single nucleotide variant.
Coding change: c.1105C>T on transcript NM_001308093.3 (MANE Select); coding-DNA position 1105, C replaced by T.
Protein change: p.Pro369Ser; replaces proline 369 with serine.
Molecular consequence: missense variant.
Genome position (GRCh38, 1-based): chr8:11,757,039, C>T. VCF-style: chr8-11757039-C-T. GRCh37 (hg19) VCF-style: chr8-11614548-C-T.
Other names: c.484C>T, p.Pro162Ser (NM_001308094.2, NM_001374273.1); c.358C>T, p.Pro120Ser (NM_001374274.1); c.1102C>T, p.Pro368Ser (NM_002052.5); short protein forms P120S, P162S, P368S, P369S.
Identifiers: ClinVar variation 3679365 (VCV003679365.2).